The following is an entry in ClinVar:

NM_001374828.1(ARID1B):c.6323A>G (p.His2108Arg)

Gene: ARID1B (AT-rich interaction domain 1B; plus strand). Cytogenetic location: 6q25.3.
Variant type: single nucleotide variant.
Coding change: c.6323A>G on transcript NM_001374828.1 (MANE Select); coding-DNA position 6323, A replaced by G.
Protein change: p.His2108Arg; replaces histidine 2108 with arginine.
Molecular consequence: missense variant.
Genome position (GRCh38, 1-based): chr6:157,207,095, A>G. VCF-style: chr6-157207095-A-G. GRCh37 (hg19) VCF-style: chr6-157528229-A-G.
Other names: c.5954A>G (NM_020732.3); c.3824A>G, p.His1275Arg (NM_001363725.2); c.6203A>G, p.His2068Arg (NM_001371656.1, NM_001374820.1); c.6164A>G, p.His2055Arg (NM_017519.3); short protein forms H1275R, H2055R, H2068R, H2108R.
Identifiers: ClinVar variation 1312072 (VCV001312072.2), dbSNP rs2128396309, ClinGen allele CA366248019.
Genomic context (GRCh38, chr6:157,207,095, plus strand): 5'-TGTCCAAACATCCAGGCCTGGTGCTGATCCTGGGGAAGCTGATTCTTCTTCACCACGAGC[A>G]TCCAGAGAGAAAGCGAGCACCGCAGACCTATGAGAAAGAGGAGGATGAGGACAAGGGGGT-3'
Protein context (NP_001361757.1, residues 2098-2118): LGKLILLHHE[His2108Arg]PERKRAPQTY

ClinVar aggregate classification (germline): Uncertain significance (1 of 4 stars; one submission).

Submission:

GeneDx
Classification: Uncertain significance. Last evaluated: 2019-09-16. Review status: criteria provided, single submitter. Criteria: GeneDx Variant Classification Process June 2021. Collection method: clinical testing. Allele origin: germline. Affected: yes.
Comment: Not observed in large population cohorts (Lek et al., 2016); In silico analysis, which includes protein predictors and evolutionary conservation, supports a deleterious effect; Has not been previously published as pathogenic or benign to our knowledge